The following is an entry in ClinVar:

ClinVar aggregate classification (germline): Benign/Likely benign. Review status: criteria provided, multiple submitters, no conflicts (2 of 4 stars). 8 submissions from 8 submitters: Benign (6); Likely benign (1). 1 of the submissions does not count toward it. Last evaluated 2026-02-02.

Conditions:
Disorder of bone. Also called: Bone disease; Bone disorder; Rare bone disease related to a common gene or pathway defect. Identifiers: Orphanet 364803, MedGen C0005940, MONDO:0005381.
Autosomal recessive osteopetrosis 1. Also called: TCIRG1-Related Autosomal Recessive Osteopetrosis; ALBERS-SCHONBERG DISEASE, AUTOSOMAL RECESSIVE; TCIRG1-Related Osteopetrosis. Identifiers: Orphanet 667, MedGen C1850127, MONDO:0009815, OMIM 259700.

Allele frequency attached by ClinVar (database versions not stated): ESP Exome Variant Server 0.00177; gnomAD 0.00806; 1000 Genomes Project 0.03195; TOPMed 0.03198; 1000 Genomes Project 30x 0.03529.
gnomAD v4.1: 16,304 of 1,613,498 alleles (1%); highest among the groups gnomAD compares: Admixed American, 25%; 2,349 homozygotes.

Submissions (8):

Labcorp Genetics (formerly Invitae), Labcorp
Classification: Benign. Last evaluated: 2026-02-02. Review status: criteria provided, single submitter. Criteria: Invitae Variant Classification Sherloc (09022015). Collection method: clinical testing. Allele origin: germline.

Blueprint Genetics
Classification: Likely benign. Last evaluated: 2024-11-27. Review status: criteria provided, single submitter. Criteria: ACMG Guidelines, 2015. Collection method: clinical testing. Allele origin: germline.

Genome Diagnostics Laboratory, The Hospital for Sick Children
Classification: Benign for Disorder of bone. Last evaluated: 2022-10-03. Review status: criteria provided, single submitter. Criteria: ACMG Guidelines, 2015. Collection method: clinical testing. Allele origin: germline. Affected: yes.
Comment: This missense variant is classified as Benign (ACMG criteria - BA1)

GeneDx
Classification: Benign. Last evaluated: 2020-03-03. Review status: criteria provided, single submitter. Criteria: GeneDx Variant Classification Process June 2021. Collection method: clinical testing. Allele origin: germline. Affected: yes.

Illumina Laboratory Services, Illumina
Classification: Benign for Autosomal recessive osteopetrosis 1. Last evaluated: 2018-01-12. Review status: criteria provided, single submitter. Criteria: ICSL Variant Classification Criteria 13 December 2019. Collection method: clinical testing. Allele origin: germline.
Comment: This variant was observed in the ICSL laboratory as part of a predisposition screen in an ostensibly healthy population. It had not been previously curated by ICSL or reported in the Human Gene Mutation Database (HGMD: prior to June 1st, 2018), and was therefore a candidate for classification through an automated scoring system. Utilizing variant allele frequency, disease prevalence and penetrance estimates, and inheritance mode, an automated score was calculated to assess if this variant is too frequent to cause the disease. Based on the score and internal cut-off values, a variant classified as benign is not then subjected to further curation. The score for this variant resulted in a classification of benign for this disease.

Eurofins Ntd Llc (ga)
Classification: Benign. Last evaluated: 2014-10-02. Review status: criteria provided, single submitter. Criteria: EGL Classification Definitions 2015. Collection method: clinical testing. Allele origin: germline. Observed: 1 variant allele, 1 heterozygote.

Breakthrough Genomics
Classification: Benign. Review status: criteria provided, single submitter. Criteria: ACMG Guidelines, 2015. Collection method: not provided. Allele origin: germline. Inheritance: Autosomal recessive inheritance. Affected: yes.

Natera, Inc.
Classification: Benign for Infantile malignant osteopetrosis. Last evaluated: 2019-12-01. Review status: no assertion criteria provided. Collection method: clinical testing. Allele origin: germline. Not counted in ClinVar's aggregate classification.

NM_006019.4(TCIRG1):c.1672G>C (p.Val558Leu)

Gene: TCIRG1 (T cell immune regulator 1, ATPase H+ transporting V0 subunit a3; plus strand). Cytogenetic location: 11q13.2.
Variant type: single nucleotide variant.
Coding change: c.1672G>C on transcript NM_006019.4 (MANE Select); coding-DNA position 1672, G replaced by C.
Protein change: p.Val558Leu; replaces valine 558 with leucine.
Molecular consequence: missense variant.
Genome position (GRCh38, 1-based): chr11:68,048,996, G>C. VCF-style: chr11-68048996-G-C. GRCh37 (hg19) VCF-style: chr11-67816463-G-C.
Other names: c.778G>C, p.Val260Leu (NM_001351059.2); c.1024G>C, p.Val342Leu (NM_006053.4); short protein forms V558L, V260L, V342L.
Identifiers: ClinVar variation 194393 (VCV000194393.27), dbSNP rs35089741, ClinGen allele CA201159.